The following is an entry in ClinVar:

ClinVar aggregate classification (germline): Conflicting classifications of pathogenicity. Review status: criteria provided, conflicting classifications (1 of 4 stars). 3 submissions from 3 submitters: Uncertain significance (1); Likely benign (1). 1 of the submissions does not count toward it. Last evaluated 2024-07-30.

Conditions:
Hereditary cancer-predisposing syndrome. Also called: Hereditary neoplastic syndrome; Neoplastic Syndromes, Hereditary; Tumor predisposition; Hereditary Cancer Syndrome. Identifiers: Orphanet 140162, MedGen C0027672, MeSH D009386, MONDO:0015356.
Malignant tumor of breast. Also called: Malignant breast neoplasm; Cancer breast. Identifiers: MedGen C0006142, MONDO:0007254. Disease mechanism: loss of function.
Hereditary breast ovarian cancer syndrome. Also called: Hereditary breast and ovarian cancer syndrome; Hereditary breast and/or ovarian cancer syndrome; Hereditary breast and ovarian cancer; Hereditary breast and ovarian cancer syndrome (HBOC); Breast and ovarian cancer; BRCA1- and BRCA2-Associated Hereditary Breast and Ovarian Cancer. Identifiers: Orphanet 145, MedGen C0677776, MeSH D061325, MONDO:0003582. Disease mechanism: loss of function.

gnomAD v4.1: 4 of 1,591,908 alleles (0.00025%); highest among the groups gnomAD compares: African/African-American, 0.0027%; no homozygotes.

Submissions (3):

Labcorp Genetics (formerly Invitae), Labcorp
Classification: Uncertain significance for Hereditary breast ovarian cancer syndrome. Last evaluated: 2024-07-30. Review status: criteria provided, single submitter. Criteria: Invitae Variant Classification Sherloc (09022015). Collection method: clinical testing. Allele origin: germline.
Comment: This sequence change replaces cysteine, which is neutral and slightly polar, with arginine, which is basic and polar, at codon 311 of the BRCA2 protein (p.Cys311Arg). This variant is not present in population databases (gnomAD no frequency). This variant has not been reported in the literature in individuals affected with BRCA2-related conditions. ClinVar contains an entry for this variant (Variation ID: 1034772). Advanced modeling of protein sequence and biophysical properties (such as structural, functional, and spatial information, amino acid conservation, physicochemical variation, residue mobility, and thermodynamic stability) performed at Invitae indicates that this missense variant is not expected to disrupt BRCA2 protein function with a negative predictive value of 95%. In summary, the available evidence is currently insufficient to determine the role of this variant in disease. Therefore, it has been classified as a Variant of Uncertain Significance.

University of Washington Department of Laboratory Medicine, University of Washington
Classification: Likely benign for Hereditary cancer-predisposing syndrome. Last evaluated: 2023-03-23. Review status: criteria provided, single submitter. Criteria: Dines et al. (Genet Med. 2020). Collection method: curation. Allele origin: germline.
Comment: Missense variant in a coldspot region where missense variants are very unlikely to be pathogenic (PMID:31911673).

BRCA2 exon 10 coldspot. Reclassification based on statistical prior probability.

Department of Pathology and Laboratory Medicine, Sinai Health System
Classification: Uncertain significance for Malignant tumor of breast. Review status: no assertion criteria provided. Collection method: clinical testing. Allele origin: unknown. Affected: yes. Observed: 1 variant allele. Study: The Canadian Open Genetics Repository (COGR). Not counted in ClinVar's aggregate classification.
Comment: The BRCA2 p.Cys311Arg variant was not identified in the literature nor was it identified in the dbSBP, ClinVar, Genesight-COGR, Cosmic, MutDB, UMD-LSDB, BIC Database, ARUP Laboratories, Zhejiang University Database databases. The variant was identified in the LOVD 3.0 database (1x in a breast cancer patient classified as effect unknown by the Netherlands Cancer Institute). The variant was not identified in the 1000 Genomes Project, the NHLBI GO Exome Sequencing Project, the Exome Aggregation Consortium (August 8th 2016) or the Genome Aggregation Database (February 27, 2017) control databases, however a different nucleotide substitution at this position (c.931T>G, p.Cys311Gly) was found under the same dbSNP number (rs61754140) in 2 South Asian individuals in the Genome Aggregation Database (frequency 0.000009). The p.Cys311Arg residue is not conserved in mammals and computational analyses (PolyPhen-2, SIFT, AlignGVGD, BLOSUM, MutationTaster) provide inconsistent predictions regarding the impact to the protein; this information is not very predictive of pathogenicity. The variant occurs outside of the splicing consensus sequence and in silico or computational prediction software programs (SpliceSiteFinder, MaxEntScan, NNSPLICE, GeneSplicer, HumanSpliceFinder) do not predict a difference in splicing. The variant is located within the DNA recombination and repair protein, BRCA2 functional domains increasing the likelihood that it may have clinical significance. In summary, based on the above information the clinical significance of this variant cannot be determined with certainty at this time. This variant is classified as a variant of uncertain significance.

NM_000059.4(BRCA2):c.931T>C (p.Cys311Arg)

Gene: BRCA2 (BRCA2 DNA repair associated; plus strand). Cytogenetic location: 13q13.1.
Variant type: single nucleotide variant.
Coding change: c.931T>C on transcript NM_000059.4 (MANE Select); coding-DNA position 931, T replaced by C.
Protein change: p.Cys311Arg; replaces cysteine 311 with arginine.
Molecular consequence: missense variant.
Genome position (GRCh38, 1-based): chr13:32,332,409, T>C. VCF-style: chr13-32332409-T-C. GRCh37 (hg19) VCF-style: chr13-32906546-T-C.
Other names: short protein forms C311R.
Identifiers: ClinVar variation 1034772 (VCV001034772.16), dbSNP rs61754140, ClinGen allele CA247496296.